The following is an entry in ClinVar:

ClinVar aggregate classification (germline): Uncertain significance (1 of 4 stars; one submission).

Conditions:
Pitt-Hopkins syndrome (PTHS). Also called: ENCEPHALOPATHY, SEVERE EPILEPTIC, WITH AUTONOMIC DYSFUNCTION; MENTAL RETARDATION, SYNDROMAL, WITH INTERMITTENT HYPERVENTILATION. Identifiers: Orphanet 2896, MedGen C1970431, MONDO:0012589, OMIM 610954.

Submission:

Labcorp Genetics (formerly Invitae), Labcorp
Classification: Uncertain significance for Pitt-Hopkins syndrome. Last evaluated: 2019-10-23. Review status: criteria provided, single submitter. Criteria: Invitae Variant Classification Sherloc (09022015). Collection method: clinical testing. Allele origin: germline.
Comment: This sequence change replaces glycine with arginine at codon 423 of the TCF4 protein (p.Gly423Arg). The glycine residue is moderately conserved and there is a moderate physicochemical difference between glycine and arginine. This variant is not present in population databases (ExAC no frequency). This variant has not been reported in the literature in individuals with TCF4-related conditions. Algorithms developed to predict the effect of missense changes on protein structure and function are either unavailable or do not agree on the potential impact of this missense change (SIFT: "Tolerated"; PolyPhen-2: "Probably Damaging"; Align-GVGD: "Class C0"). In summary, the available evidence is currently insufficient to determine the role of this variant in disease. Therefore, it has been classified as a Variant of Uncertain Significance.

NM_001083962.2(TCF4):c.1267G>C (p.Gly423Arg)

Gene: TCF4 (transcription factor 4; minus strand). Cytogenetic location: 18q21.2.
Variant type: single nucleotide variant.
Coding change: c.1267G>C on transcript NM_001083962.2 (MANE Select); coding-DNA position 1267, G replaced by C.
Protein change: p.Gly423Arg; replaces glycine 423 with arginine.
Molecular consequence: missense variant.
Genome position (GRCh38, 1-based): chr18:55,254,580, C>G on the plus strand (G>C on the coding strand, the complement: TCF4 is on the minus strand). VCF-style: chr18-55254580-C-G. GRCh37 (hg19) VCF-style: chr18-52921811-C-G.
Other names: c.1573G>C, p.Gly525Arg (NM_001243226.3); c.1195G>C, p.Gly399Arg (NM_001243227.2, NM_001306207.1, NM_001348219.2 and 5 more transcripts); c.1285G>C, p.Gly429Arg (NM_001243228.2); c.1258G>C, p.Gly420Arg (NM_001243230.2); c.1141G>C, p.Gly381Arg (NM_001243231.2, NM_001348211.2); c.1054G>C, p.Gly352Arg (NM_001243232.1, NM_001306208.1); c.877G>C, p.Gly293Arg (NM_001243233.2, NM_001330605.3, NM_001348212.2 and 1 more transcripts); c.787G>C, p.Gly263Arg (NM_001243234.2, NM_001243235.2, NM_001243236.2 and 1 more transcripts); and 6 more; short protein forms G293R, G352R, G422R, G423R, G207R, G381R, G398R, G429R.
Identifiers: ClinVar variation 961381 (VCV000961381.1), dbSNP rs1555764202, ClinGen allele CA402533466.